The following is an entry in ClinVar:

ClinVar aggregate classification (germline): Likely pathogenic (1 of 4 stars; one submission).
ClinVar aggregate classification (oncogenicity): Uncertain significance (1 of 4 stars; one submission).

Conditions:
Neoplasm. Also called: tumor; Neoplasms; Neoplasm (disease). Identifiers: MedGen C0027651, MeSH D009369, MONDO:0005070, HP:0002664.

Submissions (2):

Center for Genomic Medicine, Rigshospitalet, Copenhagen University Hospital
Classification: Uncertain significance for Neoplasm. Last evaluated: 2026-10-16. Review status: criteria provided, single submitter. Criteria: ClinGen/CGC/VICC Guidelines for Oncogenicity, 2022. Collection method: clinical testing. Allele origin: somatic. Affected: yes.

GeneDx
Classification: Likely pathogenic. Last evaluated: 2023-05-23. Review status: criteria provided, single submitter. Criteria: GeneDx Variant Classification Process June 2021. Collection method: clinical testing. Allele origin: germline. Affected: yes.
Comment: Not observed at significant frequency in large population cohorts (gnomAD); In silico analysis supports a deleterious effect on splicing; Has not been previously published as pathogenic or benign to our knowledge

NM_001386298.1(CIC):c.3432C>T (p.Gly1144=)

Gene: CIC (capicua transcriptional repressor; plus strand). Cytogenetic location: 19q13.2.
Variant type: single nucleotide variant.
Coding change: c.3432C>T on transcript NM_001386298.1 (MANE Select); coding-DNA position 3432, C replaced by T.
Protein change: p.Gly1144=; no amino-acid change (glycine 1144 retained).
Molecular consequence: synonymous variant.
Genome position (GRCh38, 1-based): chr19:42,287,667, C>T. VCF-style: chr19-42287667-C-T. GRCh37 (hg19) VCF-style: chr19-42791819-C-T.
Other names: c.705C>T, p.Gly235= (NM_015125.5, NM_001379484.1, NM_001379485.1); c.3432C>T, p.Gly1144= (NM_001304815.2, NM_001379480.1, NM_001379482.1).
Identifiers: ClinVar variation 1311176 (VCV001311176.4), dbSNP rs2147199754, ClinGen allele CA507703474.